The following is an entry in ClinVar:

NM_022489.4(INF2):c.-85G>A

Genes: INF2 (inverted formin 2; plus strand), LOC130056627 (ATAC-STARR-seq lymphoblastoid silent region 6191; plus strand). Cytogenetic location: 14q32.33.
Variant type: single nucleotide variant.
Coding change: c.-85G>A on transcript NM_022489.4 (MANE Select); 85 bases upstream of the start codon, G replaced by A.
Molecular consequence: 5 prime UTR variant.
Genome position (GRCh38, 1-based): chr14:104,689,664, G>A. VCF-style: chr14-104689664-G-A. GRCh37 (hg19) VCF-style: chr14-105156001-G-A.
Other names: c.-85G>A (NM_001031714.4, NM_032714.3).
Identifiers: ClinVar variation 312673 (VCV000312673.9), dbSNP rs141884370, ClinGen allele CA10634629.

ClinVar aggregate classification (germline): Benign. Review status: criteria provided, multiple submitters, no conflicts (2 of 4 stars). 3 submissions from 3 submitters: Benign (3). Last evaluated 2020-09-16.

Conditions:
Focal segmental glomerulosclerosis 5 (FSGS5). Identifiers: Orphanet 656, MedGen C2750475, MONDO:0013191, OMIM 613237.

Allele frequency attached by ClinVar (database versions not stated): 1000 Genomes Project 30x 0.06277; 1000 Genomes Project 0.06709; TOPMed 0.08766; gnomAD 0.09237 and 0.09252; gnomAD exomes 0.12939.
gnomAD v4.1: 121,125 of 982,220 alleles (12%); highest among the groups gnomAD compares: Non-Finnish European, 13%; 7,879 homozygotes.

Submissions (3):

GeneDx
Classification: Benign. Last evaluated: 2020-09-16. Review status: criteria provided, single submitter. Criteria: GeneDx Variant Classification Process June 2021. Collection method: clinical testing. Allele origin: germline. Affected: yes.

Illumina Laboratory Services, Illumina
Classification: Benign for Focal segmental glomerulosclerosis 5. Last evaluated: 2017-04-27. Review status: criteria provided, single submitter. Criteria: ICSL Variant Classification Criteria 13 December 2019. Collection method: clinical testing. Allele origin: germline.
Comment: This variant was observed as part of a predisposition screen in an ostensibly healthy population. A literature search was performed for the gene, cDNA change, and amino acid change (where applicable). No publications were found based on this search. Allele frequency data from public databases was too high to be consistent with this variant causing disease. Therefore, this variant is classified as benign.

Breakthrough Genomics
Classification: Benign. Review status: criteria provided, single submitter. Criteria: ACMG Guidelines, 2015. Collection method: not provided. Allele origin: germline. Inheritance: Autosomal dominant inheritance. Affected: yes.